The following is an entry in ClinVar:

ClinVar aggregate classification (germline): Uncertain significance (1 of 4 stars; one submission).

Conditions:
Pulmonary fibrosis and/or bone marrow failure, Telomere-related, 4. Also called: PULMONARY FIBROSIS AND/OR BONE MARROW FAILURE SYNDROME, TELOMERE-RELATED, 4. Identifiers: Orphanet 2032, MedGen C4225347, MONDO:0014612, OMIM 616371.
Dyskeratosis congenita, autosomal recessive 6 (DKCB6). Identifiers: MedGen C4225356, MONDO:0014600, OMIM 616353.

Submission:

Labcorp Genetics (formerly Invitae), Labcorp
Classification: Uncertain significance for Dyskeratosis congenita, autosomal recessive 6; Pulmonary fibrosis and/or bone marrow failure, Telomere-related, 4. Last evaluated: 2025-10-06. Review status: criteria provided, single submitter. Criteria: Invitae Variant Classification Sherloc (09022015). Collection method: clinical testing. Allele origin: germline.
Comment: This sequence change replaces lysine, which is basic and polar, with asparagine, which is neutral and polar, at codon 198 of the PARN protein (p.Lys198Asn). This variant is not present in population databases (gnomAD no frequency). This variant has not been reported in the literature in individuals affected with PARN-related conditions. Invitae Evidence Modeling of protein sequence and biophysical properties (such as structural, functional, and spatial information, amino acid conservation, physicochemical variation, residue mobility, and thermodynamic stability) indicates that this missense variant is not expected to disrupt PARN protein function with a negative predictive value of 80%. Algorithms developed to predict the effect of sequence changes on RNA splicing suggest that this variant may disrupt the consensus splice site. In summary, the available evidence is currently insufficient to determine the role of this variant in disease. Therefore, it has been classified as a Variant of Uncertain Significance.

NM_002582.4(PARN):c.594G>T (p.Lys198Asn)

Gene: PARN (poly(A)-specific ribonuclease; minus strand). Cytogenetic location: 16p13.12.
Variant type: single nucleotide variant.
Coding change: c.594G>T on transcript NM_002582.4 (MANE Select); coding-DNA position 594, G replaced by T.
Protein change: p.Lys198Asn; replaces lysine 198 with asparagine.
Molecular consequence: missense variant.
Genome position (GRCh38, 1-based): chr16:14,609,084, C>A on the plus strand (G>T on the coding strand, the complement: PARN is on the minus strand). VCF-style: chr16-14609084-C-A. GRCh37 (hg19) VCF-style: chr16-14702941-C-A.
Other names: c.411G>T, p.Lys137Asn (NM_001134477.3); c.456G>T, p.Lys152Asn (NM_001242992.2); short protein forms K198N, K137N, K152N.
Identifiers: ClinVar variation 4788302 (VCV004788302.1).
Genomic context (GRCh38, chr16:14,609,084, plus strand): 5'-AAAAGGACATGCAGAAATGTTCAGGACAACTAACCCGGTACATGGCTCTAAATCCAAGTT[C>A]TTGTTTTCTTCACTTTGTAATAAATCCTCTATTTTCTCTCTGAGGAATAAGAATAGACCA-3'
Protein context (NP_002573.1, residues 188-208): IEDLLQSEEN[Lys198Asn]NLDLEPCTGF